The following is an entry in ClinVar:

ClinVar aggregate classification (germline): Likely benign. Review status: criteria provided, multiple submitters, no conflicts (2 of 4 stars). 3 submissions from 3 submitters: Likely benign (3). Last evaluated 2026-08-01.

Submissions (3):

CeGaT Center for Human Genetics Tuebingen
Classification: Likely benign. Last evaluated: 2026-08-01. Review status: criteria provided, single submitter. Criteria: CeGaT Center For Human Genetics Tuebingen Variant Classification Criteria Version 2. Collection method: clinical testing. Allele origin: germline. Affected: yes. Observed: 1 variant allele.
Comment: IQSEC1: BP4, BP7

Women's Health and Genetics/Laboratory Corporation of America, LabCorp
Classification: Likely benign. Last evaluated: 2025-06-11. Review status: criteria provided, single submitter. Criteria: LabCorp Variant Classification Summary - May 2015. Collection method: clinical testing. Allele origin: germline.

Blueprint Genetics
Classification: Likely benign. Last evaluated: 2024-10-22. Review status: criteria provided, single submitter. Criteria: ACMG Guidelines, 2015. Collection method: clinical testing. Allele origin: germline.

NM_001134382.3(IQSEC1):c.948G>A (p.Ser316=)

Gene: IQSEC1 (IQ motif and Sec7 domain ArfGEF 1; minus strand). Cytogenetic location: 3p25.2.
Variant type: single nucleotide variant.
Coding change: c.948G>A on transcript NM_001134382.3 (MANE Select); coding-DNA position 948, G replaced by A.
Protein change: p.Ser316=; no amino-acid change (serine 316 retained).
Molecular consequence: synonymous variant.
Genome position (GRCh38, 1-based): chr3:12,936,068, C>T on the plus strand (G>A on the coding strand, the complement: IQSEC1 is on the minus strand). VCF-style: chr3-12936068-C-T. GRCh37 (hg19) VCF-style: chr3-12977568-C-T.
Other names: c.624G>A, p.Ser208= (NM_001330619.3); c.1272G>A, p.Ser424= (NM_001376938.2); c.990G>A, p.Ser330= (NM_014869.8).
Identifiers: ClinVar variation 3907221 (VCV003907221.3).
Genomic context (GRCh38, chr3:12,936,068, plus strand): 5'-CTCTTTGTGGGCCAGGGCCCAGTAGTCTGGGGCTGCGCCCCCAGCCCGTAGCCGCAGGTC[C>T]GACTCGGTGCTGGACGGCCGGTCCCCTGCCTGCGAGAGGGGCAGAGGGGGCGACAGCTCC-3'
Protein context (NP_001127854.1, residues 306-326): QAGDRPSSTE[Ser316=]DLRLRAGGAA